The following is an entry in ClinVar:

NM_001166108.2(PALLD):c.1965-12972A>G

Gene: PALLD (palladin, cytoskeletal associated protein; plus strand). Cytogenetic location: 4q32.3.
Variant type: single nucleotide variant.
Coding change: c.1965-12972A>G on transcript NM_001166108.2 (MANE Select); 12972 bases into the intron before coding-DNA position 1965, A replaced by G.
Molecular consequence: intron variant. On other transcripts: missense variant (1).
Genome position (GRCh38, 1-based): chr4:168,877,950, A>G. VCF-style: chr4-168877950-A-G. GRCh37 (hg19) VCF-style: chr4-169799101-A-G.
Other names: c.59A>G, p.Tyr20Cys (NM_001166110.2); c.1965-12972A>G (NM_016081.4); c.819-12972A>G (NM_001166109.2); c.-157-12972A>G (NM_001367570.1, NM_001367568.1, NM_001367567.1 and 1 more transcripts); short protein forms Y20C.
Identifiers: ClinVar variation 4130386 (VCV004130386.1).

ClinVar aggregate classification (germline): Uncertain significance (1 of 4 stars; one submission).

Submission:

Ambry Genetics
Classification: Uncertain significance. Last evaluated: 2025-06-19. Review status: criteria provided, single submitter. Criteria: Ambry Variant Classification Scheme 2023. Collection method: clinical testing. Allele origin: germline.
Comment: The p.Y20C variant (also known as c.59A>G), located in coding exon 1 of the PALLD gene, results from an A to G substitution at nucleotide position 59. The tyrosine at codon 20 is replaced by cysteine, an amino acid with highly dissimilar properties. This amino acid position is conserved. In addition, this alteration is predicted to be deleterious by in silico analysis. Based on the available evidence, the clinical significance of this variant remains unclear.